The following is an entry in ClinVar:

NM_004606.5(TAF1):c.4568T>C (p.Val1523Ala)

Gene: TAF1 (TATA-box binding protein associated factor 1; plus strand). Cytogenetic location: Xq13.1.
Variant type: single nucleotide variant.
Coding change: c.4568T>C on transcript NM_004606.5 (MANE Select); coding-DNA position 4568, T replaced by C.
Protein change: p.Val1523Ala; replaces valine 1523 with alanine.
Molecular consequence: missense variant. On other transcripts: non-coding transcript variant (9).
Genome position (GRCh38, 1-based): chrX:71,423,232, T>C. VCF-style: chrX-71423232-T-C. GRCh37 (hg19) VCF-style: chrX-70643082-T-C.
Other names: c.4568T>C, p.Val1523Ala (NM_001286074.2); c.4505T>C, p.Val1502Ala (NM_138923.4); short protein forms V1502A, V1523A.
Identifiers: ClinVar variation 3897084 (VCV003897084.1).
Genomic context (GRCh38, chrX:71,423,232, plus strand): 5'-ATGACCAAGTGGCGTTTTCTTTCATTCTGGACAACATTGTCACCCAGAAAATGATGGCAG[T>C]TCCAGATGTAAGCTGTCTCTGTGCCAAATACTGTGAGGATCGTGCAGGGGAAAGGAAAAA-3'
Protein context (NP_004597.3, residues 1513-1533): DNIVTQKMMA[Val1523Ala]PDSWPFHHPV

ClinVar aggregate classification (germline): Uncertain significance (1 of 4 stars; one submission).

Submission:

GeneDx
Classification: Uncertain significance. Last evaluated: 2024-11-01. Review status: criteria provided, single submitter. Criteria: GeneDx Variant Classification Process June 2021. Collection method: clinical testing. Allele origin: germline. Affected: yes.
Comment: Not observed at significant frequency in large population cohorts (gnomAD); In silico analysis supports that this missense variant has a deleterious effect on protein structure/function; Has not been previously published as pathogenic or benign to our knowledge